The following is an entry in ClinVar:

NM_001367624.2(ZNF469):c.627G>T (p.Gly209=)

Gene: ZNF469 (zinc finger protein 469; plus strand). Cytogenetic location: 16q24.2.
Variant type: single nucleotide variant.
Coding change: c.627G>T on transcript NM_001367624.2 (MANE Select); coding-DNA position 627, G replaced by T.
Protein change: p.Gly209=; no amino-acid change (glycine 209 retained).
Molecular consequence: synonymous variant.
Genome position (GRCh38, 1-based): chr16:88,428,097, G>T. VCF-style: chr16-88428097-G-T. GRCh37 (hg19) VCF-style: chr16-88494505-G-T.
Other names: NM_001127464.1:c.627G>T; p.Gly209=.
Identifiers: ClinVar variation 320855 (VCV000320855.20), dbSNP rs113227277, ClinGen allele CA8224604.

ClinVar aggregate classification (germline): Benign/Likely benign. Review status: criteria provided, multiple submitters, no conflicts (2 of 4 stars). 6 submissions from 6 submitters: Benign (4); Likely benign (2). Last evaluated 2026-03-31.

Conditions:
Cardiovascular phenotype. Identifiers: MedGen CN230736.

Allele frequency attached by ClinVar (database versions not stated): gnomAD 0.00554 and 0.00590; TOPMed 0.00607; 1000 Genomes Project 0.00679; 1000 Genomes Project 30x 0.00750.
gnomAD v4.1: 1,578 of 1,549,590 alleles (0.1%); highest among the groups gnomAD compares: African/African-American, 1.8%; 13 homozygotes.

Submissions (6):

Women's Health and Genetics/Laboratory Corporation of America, LabCorp
Classification: Likely benign. Last evaluated: 2026-03-31. Review status: criteria provided, single submitter. Criteria: LabCorp Variant Classification Summary - May 2015. Collection method: clinical testing. Allele origin: germline.

Labcorp Genetics (formerly Invitae), Labcorp
Classification: Benign. Last evaluated: 2026-01-28. Review status: criteria provided, single submitter. Criteria: Invitae Variant Classification Sherloc (09022015). Collection method: clinical testing. Allele origin: germline.

Blueprint Genetics
Classification: Likely benign. Last evaluated: 2024-11-14. Review status: criteria provided, single submitter. Criteria: ACMG Guidelines, 2015. Collection method: clinical testing. Allele origin: germline.

Mayo Clinic Laboratories, Mayo Clinic
Classification: Benign. Last evaluated: 2023-10-30. Review status: criteria provided, single submitter. Criteria: ACMG Guidelines, 2015. Collection method: clinical testing. Allele origin: germline. Observed: 5 variant alleles.
Comment: BS1, BS2, BP4, BP7

Ambry Genetics
Classification: Benign for Cardiovascular phenotype. Last evaluated: 2019-09-17. Review status: criteria provided, single submitter. Criteria: Ambry Variant Classification Scheme 2023. Collection method: clinical testing. Allele origin: germline.

GeneDx
Classification: Benign. Last evaluated: 2019-04-04. Review status: criteria provided, single submitter. Criteria: GeneDx Variant Classification Process June 2021. Collection method: clinical testing. Allele origin: germline. Affected: yes.